The following is an entry in ClinVar:

ClinVar aggregate classification (germline): Uncertain significance (1 of 4 stars; one submission).

Conditions:
Idiopathic generalized epilepsy. Also called: EIG; Generalised epilepsy. Identifiers: MedGen C0270850, MONDO:0005579, OMIM 600669.

Submission:

Labcorp Genetics (formerly Invitae), Labcorp
Classification: Uncertain significance for Idiopathic generalized epilepsy. Last evaluated: 2022-11-24. Review status: criteria provided, single submitter. Criteria: Invitae Variant Classification Sherloc (09022015). Collection method: clinical testing. Allele origin: germline.
Comment: In summary, the available evidence is currently insufficient to determine the role of this variant in disease. Therefore, it has been classified as a Variant of Uncertain Significance. This variant has not been reported in the literature in individuals affected with RBFOX1-related conditions. This variant is not present in population databases (gnomAD no frequency). This sequence change creates a premature translational stop signal (p.Tyr225Leufs*104) in the RBFOX1 gene. It is expected to result in an absent or disrupted protein product. However, the current clinical and genetic evidence is not sufficient to establish whether loss-of-function variants in RBFOX1 cause disease.

NM_018723.4(RBFOX1):c.613dup (p.Tyr205fs)

Gene: RBFOX1 (RNA binding fox-1 homolog 1; plus strand). Cytogenetic location: 16p13.3.
Variant type: Duplication.
Coding change: c.613dup on transcript NM_018723.4 (MANE Select); coding-DNA position 613, one base duplicated (T; older notation c.613dupT).
Protein change: p.Tyr205fs; shifts the reading frame from tyrosine 205.
Molecular consequence: frameshift variant.
Genome position (GRCh38, 1-based): chr16:7,597,422, T duplicated; the last of 2 consecutive T bases (chr16:7,597,421-7,597,422); duplicating either gives the same sequence. VCF-style (leftmost placement, unchanged base first): chr16-7597420-C-CT. GRCh37 (hg19) VCF-style: chr16-7647422-C-CT.
Other names: c.673dup, p.Tyr225fs (NM_001415915.1, NM_145891.3, NM_001415896.1 and 4 more transcripts); c.520dup, p.Tyr174fs (NM_001415916.1); c.619dup, p.Tyr207fs (NM_001415917.1, NM_001415902.1, NM_001415911.1); c.613dup, p.Tyr205fs (NM_001142333.2, NM_001142334.2, NM_001364800.2); c.742dup, p.Tyr248fs (NM_001308117.1, NM_001411047.1, NM_001415891.1 and 3 more transcripts); c.1210dup, p.Tyr404fs (NM_001415887.1, NM_001415888.1); c.721dup, p.Tyr241fs (NM_001415889.1, NM_001415892.1, NM_001415894.1 and 3 more transcripts); c.688dup, p.Tyr230fs (NM_001415890.1, NM_001415893.1, NM_001415899.1 and 3 more transcripts); and 3 more; short protein forms Y210fs, Y174fs, Y199fs, Y205fs, Y248fs, Y225fs, Y230fs, Y241fs.
Identifiers: ClinVar variation 2816529 (VCV002816529.3), dbSNP rs2509879070, ClinGen allele CA2739266578.